The following is an entry in ClinVar:

NM_017617.5(NOTCH1):c.4096G>C (p.Gly1366Arg)

Gene: NOTCH1 (notch receptor 1; minus strand). Cytogenetic location: 9q34.3.
Variant type: single nucleotide variant.
Coding change: c.4096G>C on transcript NM_017617.5 (MANE Select); coding-DNA position 4096, G replaced by C.
Protein change: p.Gly1366Arg; replaces glycine 1366 with arginine.
Molecular consequence: missense variant.
Genome position (GRCh38, 1-based): chr9:136,505,800, C>G on the plus strand (G>C on the coding strand, the complement: NOTCH1 is on the minus strand). VCF-style: chr9-136505800-C-G. GRCh37 (hg19) VCF-style: chr9-139400252-C-G.
Other names: short protein forms G1366R.
Identifiers: ClinVar variation 1311204 (VCV001311204.8), dbSNP rs778270588, ClinGen allele CA5340689.

ClinVar aggregate classification (germline): Conflicting classifications of pathogenicity. Review status: criteria provided, conflicting classifications (1 of 4 stars). 4 submissions from 4 submitters: Uncertain significance (3); Benign (1). Last evaluated 2025-09-16.

Conditions:
Adams-Oliver syndrome 5 (AOS5). Identifiers: Orphanet 974, MedGen C4014970, MONDO:0014459, OMIM 616028.
Familial thoracic aortic aneurysm and aortic dissection (TAAD). Also called: Thoracic aortic aneurysms and dissections. Identifiers: Orphanet 91387, MedGen C4707243, MONDO:0019625.

gnomAD v4.1: 15 of 1,585,768 alleles (0.00095%); highest among the groups gnomAD compares: Admixed American, 0.0034%; no homozygotes.

Submissions (4):

Ambry Genetics
Classification: Uncertain significance for Familial thoracic aortic aneurysm and aortic dissection. Last evaluated: 2025-09-16. Review status: criteria provided, single submitter. Criteria: Ambry Variant Classification Scheme 2023. Collection method: clinical testing. Allele origin: germline.
Comment: The p.G1366R variant (also known as c.4096G>C), located in coding exon 25 of the NOTCH1 gene, results from a G to C substitution at nucleotide position 4096. The glycine at codon 1366 is replaced by arginine, an amino acid with dissimilar properties. This amino acid position is well conserved in available vertebrate species. In addition, the in silico prediction for this alteration is inconclusive. Based on the available evidence, the clinical significance of this variant remains unclear.

Labcorp Genetics (formerly Invitae), Labcorp
Classification: Benign for Adams-Oliver syndrome 5. Last evaluated: 2024-09-22. Review status: criteria provided, single submitter. Criteria: Invitae Variant Classification Sherloc (09022015). Collection method: clinical testing. Allele origin: germline.

Blueprint Genetics
Classification: Uncertain significance. Last evaluated: 2023-11-01. Review status: criteria provided, single submitter. Criteria: ACMG Guidelines, 2015. Collection method: clinical testing. Allele origin: germline.

GeneDx
Classification: Uncertain significance. Last evaluated: 2019-12-18. Review status: criteria provided, single submitter. Criteria: GeneDx Variant Classification Process June 2021. Collection method: clinical testing. Allele origin: germline. Affected: yes.
Comment: Has not been previously published as pathogenic or benign to our knowledge; Not observed at a significant frequency in large population cohorts (Lek et al., 2016); In silico analysis, which includes protein predictors and evolutionary conservation, supports that this variant does not alter protein structure/function